The following is an entry in ClinVar:

ClinVar aggregate classification (germline): Uncertain significance. Review status: criteria provided, multiple submitters, no conflicts (2 of 4 stars). 5 submissions from 5 submitters: Uncertain significance (5). Last evaluated 2026-02-20.

Conditions:
Monosomy 7 myelodysplasia and leukemia syndrome 2. Identifiers: MedGen C5436668, MONDO:0030801, OMIM 619041.
MIRAGE syndrome. Also called: MYELODYSPLASIA, INFECTION, RESTRICTION OF GROWTH, ADRENAL HYPOPLASIA, GENITAL PHENOTYPES, AND ENTEROPATHY. Identifiers: Orphanet 494433, MedGen C4284088, MONDO:0014888, OMIM 617053.

Submissions (5):

St. Jude Molecular Pathology, St. Jude Children's Research Hospital
Classification: Uncertain significance for Monosomy 7 myelodysplasia and leukemia syndrome 2. Last evaluated: 2026-02-20. Review status: criteria provided, single submitter. Criteria: St. Jude Assertion Criteria 2020. Collection method: clinical testing. Allele origin: germline.
Comment: The SAMD9 c.3728_3731del p.(Asn1243MetfsTer5) change deletes f our nucleotides to cause a frameshift and the creation of a premature stop codon, however the functional significance of this variant is currently unknown. This variant has a maximum subpopulation frequency of 0.004% in gnomAD v2.1.1. This variant has not been reported in individuals with MIRAGE syndrome or monosomy 7. In summary, the evidence currently available is insufficient to determine the clinical significance of this variant. It has therefore been classified as of uncertain significance.

Labcorp Genetics (formerly Invitae), Labcorp
Classification: Uncertain significance. Last evaluated: 2025-05-25. Review status: criteria provided, single submitter. Criteria: Invitae Variant Classification Sherloc (09022015). Collection method: clinical testing. Allele origin: germline.
Comment: This sequence change creates a premature translational stop signal (p.Asn1243Metfs*5) in the SAMD9 gene. While this is not anticipated to result in nonsense mediated decay, it is expected to disrupt the last 347 amino acid(s) of the SAMD9 protein. This variant is present in population databases (rs778111446, gnomAD 0.005%). This variant has not been reported in the literature in individuals affected with SAMD9-related conditions. ClinVar contains an entry for this variant (Variation ID: 1029634). In summary, the available evidence is currently insufficient to determine the role of this variant in disease. Therefore, it has been classified as a Variant of Uncertain Significance.

GeneDx
Classification: Uncertain significance. Last evaluated: 2024-11-15. Review status: criteria provided, single submitter. Criteria: GeneDx Variant Classification Process June 2021. Collection method: clinical testing. Allele origin: germline. Affected: yes.
Comment: Frameshift variant predicted to result in abnormal protein length as the last 347 amino acid(s) are replaced with 4 different amino acid(s), in a gene for which loss-of-function is not an established mechanism of disease; Has not been previously published as pathogenic or benign to our knowledge; Not observed at significant frequency in large population cohorts (gnomAD); This variant is associated with the following publications: (PMID: 28545555)

Institute for Clinical Genetics, University Hospital TU Dresden, University Hospital TU Dresden
Classification: Uncertain significance. Last evaluated: 2023-01-03. Review status: criteria provided, single submitter. Criteria: ACMG Guidelines, 2015. Collection method: clinical testing. Allele origin: germline.

Baylor Genetics
Classification: Uncertain significance for MIRAGE syndrome. Last evaluated: 2019-04-29. Review status: criteria provided, single submitter. Criteria: ACMG Guidelines, 2015. Collection method: clinical testing. Allele origin: paternal. Affected: yes.
Comment: This variant was determined to be of uncertain significance according to ACMG Guidelines, 2015 [PMID:25741868].

NM_017654.4(SAMD9):c.3728_3731del (p.Asn1243fs)

Gene: SAMD9 (sterile alpha motif domain containing 9; minus strand). Cytogenetic location: 7q21.2.
Variant type: Deletion.
Coding change: c.3728_3731del on transcript NM_017654.4 (MANE Select); coding-DNA positions 3728 to 3731, 4 bases deleted (ACAA; older notation c.3728_3731delACAA).
Protein change: p.Asn1243fs; shifts the reading frame from asparagine 1243.
Molecular consequence: frameshift variant.
Genome position (GRCh38, 1-based): chr7:93,102,367-93,102,370, TTGT deleted on the plus strand (ACAA on the coding strand, the reverse complement: SAMD9 is on the minus strand); deleting any 4 consecutive bases within chr7:93,102,367-93,102,373 gives the same sequence; the c. name uses the placement nearest the transcript's 3' end. VCF-style (leftmost placement, unchanged base first): chr7-93102366-ATTGT-A. GRCh37 (hg19) VCF-style: chr7-92731679-ATTGT-A.
Other names: c.3728_3731del, p.Asn1243fs (NM_001193307.2); c.3728_3731delACAA (NM_017654.3); c.3728_3731del (NM_017654.3); short protein forms N1243fs.
Identifiers: ClinVar variation 1029634 (VCV001029634.9), dbSNP rs778111446, ClinGen allele CA4342646.
Genomic context (GRCh38, chr7:93,102,366, plus strand): 5'-CAAAGAAAATTTCAATTTAGTTAAATAAGGAATATAGTTTTTGAGGGCTAATTTATATTC[ATTGT>A]TTGGATCCCCTGGAATATCACTACTTCCTGATACAAAATTGACCATATATCTTTTAGATA-3'